The following is an entry in ClinVar:

NM_004385.5(VCAN):c.4063G>A (p.Glu1355Lys)

Genes: VCAN (versican; plus strand), VCAN-AS1 (VCAN antisense RNA 1; minus strand). Cytogenetic location: 5q14.3.
Variant type: single nucleotide variant.
Coding change: c.4063G>A on transcript NM_004385.5 (MANE Select); coding-DNA position 4063, G replaced by A.
Protein change: p.Glu1355Lys; replaces glutamic acid 1355 with lysine.
Molecular consequence: missense variant. On other transcripts: intron variant (2).
Genome position (GRCh38, 1-based): chr5:83,537,066, G>A. VCF-style: chr5-83537066-G-A. GRCh37 (hg19) VCF-style: chr5-82832885-G-A.
Other names: c.1102G>A, p.Glu368Lys (NM_001164097.2); c.4004-8471G>A (NM_001164098.2); c.1043-8471G>A (NM_001126336.3); short protein forms E1355K, E368K.
Identifiers: ClinVar variation 1409253 (VCV001409253.6), dbSNP rs1746741592, ClinGen allele CA360307417.

ClinVar aggregate classification (germline): Uncertain significance (1 of 4 stars; one submission).

Allele frequency attached by ClinVar (database versions not stated): gnomAD 0.00001; TOPMed 0.00001.
gnomAD v4.1: 1 of 1,612,846 alleles (0.000062%); highest among the groups gnomAD compares: African/African-American, 0.0013%; no homozygotes.

Submission:

Labcorp Genetics (formerly Invitae), Labcorp
Classification: Uncertain significance. Last evaluated: 2021-08-04. Review status: criteria provided, single submitter. Criteria: Invitae Variant Classification Sherloc (09022015). Collection method: clinical testing. Allele origin: germline.
Comment: In summary, the available evidence is currently insufficient to determine the role of this variant in disease. Therefore, it has been classified as a Variant of Uncertain Significance. Algorithms developed to predict the effect of missense changes on protein structure and function (SIFT, PolyPhen-2, Align-GVGD) all suggest that this variant is likely to be disruptive. This variant has not been reported in the literature in individuals affected with VCAN-related conditions. This variant is not present in population databases (ExAC no frequency). This sequence change replaces glutamic acid with lysine at codon 1355 of the VCAN protein (p.Glu1355Lys). The glutamic acid residue is highly conserved and there is a small physicochemical difference between glutamic acid and lysine.